The following is an entry in ClinVar:

NM_005560.6(LAMA5):c.8614G>C (p.Asp2872His)

Gene: LAMA5 (laminin subunit alpha 5; minus strand). Cytogenetic location: 20q13.33.
Variant type: single nucleotide variant.
Coding change: c.8614G>C on transcript NM_005560.6 (MANE Select); coding-DNA position 8614, G replaced by C.
Protein change: p.Asp2872His; replaces aspartic acid 2872 with histidine.
Molecular consequence: missense variant.
Genome position (GRCh38, 1-based): chr20:62,313,693, C>G on the plus strand (G>C on the coding strand, the complement: LAMA5 is on the minus strand). VCF-style: chr20-62313693-C-G. GRCh37 (hg19) VCF-style: chr20-60888749-C-G.
Other names: short protein forms D2872H.
Identifiers: ClinVar variation 1964373 (VCV001964373.5), dbSNP rs1468945651, ClinGen allele CA409544888.

ClinVar aggregate classification (germline): Uncertain significance (1 of 4 stars; one submission).

Allele frequency attached by ClinVar (database versions not stated): gnomAD exomes 0.00001; gnomAD 0.00002; TOPMed 0.00002.
gnomAD v4.1: 19 of 1,612,756 alleles (0.0012%); highest among the groups gnomAD compares: Middle Eastern, 0.016%; no homozygotes.

Submission:

Labcorp Genetics (formerly Invitae), Labcorp
Classification: Uncertain significance. Last evaluated: 2022-02-20. Review status: criteria provided, single submitter. Criteria: Invitae Variant Classification Sherloc (09022015). Collection method: clinical testing. Allele origin: germline.
Comment: In summary, the available evidence is currently insufficient to determine the role of this variant in disease. Therefore, it has been classified as a Variant of Uncertain Significance. Algorithms developed to predict the effect of missense changes on protein structure and function (SIFT, PolyPhen-2, Align-GVGD) all suggest that this variant is likely to be tolerated. This variant has not been reported in the literature in individuals affected with LAMA5-related conditions. The frequency data for this variant in the population databases is considered unreliable, as metrics indicate poor data quality at this position in the gnomAD database. This sequence change replaces aspartic acid, which is acidic and polar, with histidine, which is basic and polar, at codon 2872 of the LAMA5 protein (p.Asp2872His).